The following is an entry in ClinVar:

NM_001267550.2(TTN):c.83387C>T (p.Ala27796Val)

Genes: TTN (titin; minus strand), TTN-AS1 (TTN antisense RNA 1; plus strand). Cytogenetic location: 2q31.2.
Variant type: single nucleotide variant.
Coding change: c.83387C>T on transcript NM_001267550.2 (MANE Select); coding-DNA position 83387, C replaced by T.
Protein change: p.Ala27796Val; replaces alanine 27796 with valine.
Molecular consequence: missense variant.
Genome position (GRCh38, 1-based): chr2:178,562,745, G>A on the plus strand (C>T on the coding strand, the complement: TTN is on the minus strand). VCF-style: chr2-178562745-G-A. GRCh37 (hg19) VCF-style: chr2-179427472-G-A.
Other names: c.56192C>T, p.Ala18731Val (NM_003319.4); c.75683C>T, p.Ala25228Val (NM_133378.4); c.56567C>T, p.Ala18856Val (NM_133432.3); c.56768C>T, p.Ala18923Val (NM_133437.4); c.78464C>T, p.Ala26155Val (NM_001256850.1); short protein forms A18731V, A18856V, A18923V, A25228V, A26155V, A27796V.
Identifiers: ClinVar variation 2438166 (VCV002438166.5), dbSNP rs368241592, ClinGen allele CA1988926.
Genomic context (GRCh38, chr2:178,562,745, plus strand): 5'-ATGGTAGCATAGGCTTTTCTTGTAGTTTCTCGTTTTTCGACAATGTAGTTTGTAATCTTA[G>A]CTCCACCATCAATAAGTGGTGGTTCCCAGGACAACGTCACTGAGTCTTTCTTCACTTCTC-3'
Protein context (NP_001254479.2, residues 27786-27806): SWEPPLIDGG[Ala27796Val]KITNYIVEKR

ClinVar aggregate classification (germline): Uncertain significance. Review status: criteria provided, multiple submitters, no conflicts (2 of 4 stars). 3 submissions from 3 submitters: Uncertain significance (3). Last evaluated 2025-10-21.

Conditions:
TTN-related disorder. Also called: TTN-related condition; TTN-related disease; TTN-related disorders.

Allele frequency attached by ClinVar (database versions not stated): gnomAD 0.00002; ESP Exome Variant Server 0.00008; TOPMed 0.00001; 1000 Genomes Project 30x 0.00016; 1000 Genomes Project 0.00020.
gnomAD v4.1: 15 of 1,611,768 alleles (0.00093%); highest among the groups gnomAD compares: South Asian, 0.011%; no homozygotes.

Submissions (3):

PreventionGenetics, part of Exact Sciences
Classification: Uncertain significance for TTN-related condition. Last evaluated: 2025-10-21. Review status: criteria provided, single submitter. Criteria: ACMG Guidelines, 2015. Collection method: clinical testing. Allele origin: germline.
Comment: The TTN c.83387C>T variant is predicted to result in the amino acid substitution p.Ala27796Val. To our knowledge, this variant has not been reported in the literature or in a large population database (gnomAD), indicating this variant is rare. At this time, the clinical significance of this variant is uncertain due to the absence of conclusive functional and genetic evidence.

Women's Health and Genetics/Laboratory Corporation of America, LabCorp
Classification: Uncertain significance. Last evaluated: 2025-05-12. Review status: criteria provided, single submitter. Criteria: LabCorp Variant Classification Summary - May 2015. Collection method: clinical testing. Allele origin: germline.
Comment: Variant summary: TTN c.75683C>T (p.Ala25228Val) results in a non-conservative amino acid change in the encoded protein sequence. Algorithms developed to predict the effect of missense changes on protein structure and function are either unavailable or do not agree on the potential impact of this missense change. The variant allele was found at a frequency of 2e-05 in 247586 control chromosomes. The available data on variant occurrences in the general population are insufficient to allow any conclusion about variant significance. To our knowledge, no occurrence of c.75683C>T in individuals affected with TTN-related conditions and no experimental evidence demonstrating its impact on protein function have been reported. ClinVar contains an entry for this variant (Variation ID: 2438166). Based on the evidence outlined above, the variant was classified as uncertain significance.

Revvity Omics, Revvity
Classification: Uncertain significance. Last evaluated: 2020-07-24. Review status: criteria provided, single submitter. Criteria: ACMG Guidelines, 2015. Collection method: clinical testing. Allele origin: germline.